The following is an entry in ClinVar:

ClinVar aggregate classification (germline): Benign/Likely benign (0 of 4 stars; one submission).

Submission:

ISCA site 4
Classification: Benign/Likely benign. Last evaluated: 2012-09-21. Review status: no assertion criteria provided. Collection method: clinical testing. Allele origin: unknown. Affected: yes. Observed: 3 variant alleles. Clinical features observed: Abnormality of the skeletal system (HP:0000924), Failure to thrive (HP:0001508), Global developmental delay (HP:0001263), Muscular hypotonia (HP:0001252), Delayed gross motor development (HP:0002194), Delayed fine motor development (HP:0010862), Delayed speech and language development (HP:0000750).
Comment: Likely benign (2), Benign (1)

Copy number variation identified through the course of routine clinical cytogenomic testing in postnatal populations, with clinical assertions as classified by the original submitter.

GRCh38/hg38 8q24.3(chr8:144997177-145010034)x1

Gene: ZNF252P-AS1 (ZNF252P antisense RNA 1; plus strand). Cytogenetic location: 8q24.3.
Variant type: copy number loss.
Change: copy number 1 (one copy instead of two) of chr8:144,997,177-145,010,034 (12.9 kb, GRCh38 coordinates, 1-based), cytogenetic band 8q24.3.
Identifiers: ClinVar variation 144630 (VCV000144630.2).